The following is an entry in ClinVar:

ClinVar aggregate classification (germline): Uncertain significance (1 of 4 stars; one submission).

Allele frequency attached by ClinVar (database versions not stated): gnomAD 0.00001.
gnomAD v4.1: 1 of 1,614,040 alleles (0.000062%); highest among the groups gnomAD compares: Admixed American, 0.0017%; no homozygotes.

Submission:

Labcorp Genetics (formerly Invitae), Labcorp
Classification: Uncertain significance. Last evaluated: 2022-10-05. Review status: criteria provided, single submitter. Criteria: Invitae Variant Classification Sherloc (09022015). Collection method: clinical testing. Allele origin: germline.
Comment: This variant is present in population databases (rs775004695, gnomAD 0.006%). This sequence change replaces valine, which is neutral and non-polar, with leucine, which is neutral and non-polar, at codon 813 of the PITPNM3 protein (p.Val813Leu). This variant has not been reported in the literature in individuals affected with PITPNM3-related conditions. In summary, the available evidence is currently insufficient to determine the role of this variant in disease. Therefore, it has been classified as a Variant of Uncertain Significance. Advanced modeling of protein sequence and biophysical properties (such as structural, functional, and spatial information, amino acid conservation, physicochemical variation, residue mobility, and thermodynamic stability) performed at Invitae indicates that this missense variant is not expected to disrupt PITPNM3 protein function. ClinVar contains an entry for this variant (Variation ID: 1524593).

NM_031220.4(PITPNM3):c.2437G>C (p.Val813Leu)

Gene: PITPNM3 (PITPNM family member 3; minus strand). Cytogenetic location: 17p13.2.
Variant type: single nucleotide variant.
Coding change: c.2437G>C on transcript NM_031220.4 (MANE Select); coding-DNA position 2437, G replaced by C.
Protein change: p.Val813Leu; replaces valine 813 with leucine.
Molecular consequence: missense variant.
Genome position (GRCh38, 1-based): chr17:6,461,426, C>G on the plus strand (G>C on the coding strand, the complement: PITPNM3 is on the minus strand). VCF-style: chr17-6461426-C-G. GRCh37 (hg19) VCF-style: chr17-6364746-C-G.
Other names: c.2329G>C, p.Val777Leu (NM_001165966.2); short protein forms V813L, V777L.
Identifiers: ClinVar variation 1524593 (VCV001524593.6), dbSNP rs775004695, ClinGen allele CA8329178.